The following is an entry in ClinVar:

NM_000642.3(AGL):c.2909T>G (p.Val970Gly)

Gene: AGL (amylo-alpha-1,6-glucosidase and 4-alpha-glucanotransferase; plus strand). Cytogenetic location: 1p21.2.
Variant type: single nucleotide variant.
Coding change: c.2909T>G on transcript NM_000642.3 (MANE Select); coding-DNA position 2909, T replaced by G.
Protein change: p.Val970Gly; replaces valine 970 with glycine.
Molecular consequence: missense variant.
Genome position (GRCh38, 1-based): chr1:99,891,316, T>G. VCF-style: chr1-99891316-T-G. GRCh37 (hg19) VCF-style: chr1-100356872-T-G.
Other names: p.Val970Gly; c.2909T>G, p.Val970Gly (NM_000028.3, NM_000643.3, NM_000644.3 and 1 more transcripts); c.2861T>G, p.Val954Gly (NM_000646.3); c.2888T>G, p.Val963Gly (NM_001425326.1); c.2708T>G, p.Val903Gly (NM_001425327.1); c.2705T>G, p.Val902Gly (NM_001425328.1); c.2570T>G, p.Val857Gly (NM_001425329.1); c.2531T>G, p.Val844Gly (NM_001425332.1); short protein forms V844G, V857G, V902G, V903G, V954G, V963G, V970G.
Identifiers: ClinVar variation 3379795 (VCV003379795.1).
Genomic context (GRCh38, chr1:99,891,316, plus strand): 5'-ATGACTTGGGGCATCCTTTTTGTAATAATTTGAGATCTGGAGATTGGATGATTGACTATG[T>G]CAGTAACCGGCTTATTTCACGATCAGGAACTATTGCTGAAGTAAGTAGAGCTATATTATC-3'
Protein context (NP_000633.2, residues 960-980): LRSGDWMIDY[Val970Gly]SNRLISRSGT

ClinVar aggregate classification (germline): Uncertain significance (1 of 4 stars; one submission).

Submission:

Mayo Clinic Laboratories, Mayo Clinic
Classification: Uncertain significance. Last evaluated: 2023-11-03. Review status: criteria provided, single submitter. Criteria: ACMG Guidelines, 2015. Collection method: clinical testing. Allele origin: germline. Observed: 1 variant allele.
Comment: BP1, PM2_moderate